The following is an entry in ClinVar:

NM_006739.4(MCM5):c.1781G>A (p.Arg594His)

Gene: MCM5 (minichromosome maintenance complex component 5; plus strand). Cytogenetic location: 22q12.3.
Variant type: single nucleotide variant.
Coding change: c.1781G>A on transcript NM_006739.4 (MANE Select); coding-DNA position 1781, G replaced by A.
Protein change: p.Arg594His; replaces arginine 594 with histidine.
Molecular consequence: missense variant.
Genome position (GRCh38, 1-based): chr22:35,419,961, G>A. VCF-style: chr22-35419961-G-A. GRCh37 (hg19) VCF-style: chr22-35815954-G-A.
Other names: short protein forms R594H.
Identifiers: ClinVar variation 1355821 (VCV001355821.8), dbSNP rs140825831, ClinGen allele CA10205505.
Genomic context (GRCh38, chr22:35,419,961, plus strand): 5'-TGTCAGCAGAGGCTGCAGAGAAACTGAAGAACCGCTACATCATCATGCGGAGCGGGGCCC[G>A]TCAGCACGAGAGGGACAGTGACCGCCGCTCCAGCATCCCCATCACTGTGCGGTGAGCAGG-3'
Protein context (NP_006730.2, residues 584-604): NRYIIMRSGA[Arg594His]QHERDSDRRS

ClinVar aggregate classification (germline): Uncertain significance (1 of 4 stars; one submission).

Allele frequency attached by ClinVar (database versions not stated): gnomAD exomes 0.00015; ExAC 0.00018; 1000 Genomes Project 30x 0.00031; gnomAD 0.00054 and 0.00058; TOPMed 0.00056; ESP Exome Variant Server 0.00062.
gnomAD v4.1: 331 of 1,613,094 alleles (0.021%); highest among the groups gnomAD compares: African/African-American, 0.16%; no homozygotes.

Submission:

Labcorp Genetics (formerly Invitae), Labcorp
Classification: Uncertain significance. Last evaluated: 2025-03-30. Review status: criteria provided, single submitter. Criteria: Invitae Variant Classification Sherloc (09022015). Collection method: clinical testing. Allele origin: germline.
Comment: This sequence change replaces arginine, which is basic and polar, with histidine, which is basic and polar, at codon 594 of the MCM5 protein (p.Arg594His). This variant is present in population databases (rs140825831, gnomAD 0.2%), and has an allele count higher than expected for a pathogenic variant. This variant has not been reported in the literature in individuals affected with MCM5-related conditions. ClinVar contains an entry for this variant (Variation ID: 1355821). An algorithm developed to predict the effect of missense changes on protein structure and function (PolyPhen-2) suggests that this variant is likely to be tolerated. In summary, the available evidence is currently insufficient to determine the role of this variant in disease. Therefore, it has been classified as a Variant of Uncertain Significance.